The following is an entry in ClinVar:

NM_014991.6(WDFY3):c.5452A>G (p.Ile1818Val)

Gene: WDFY3 (WD repeat and FYVE domain containing 3; minus strand). Cytogenetic location: 4q21.23.
Variant type: single nucleotide variant.
Coding change: c.5452A>G on transcript NM_014991.6 (MANE Select); coding-DNA position 5452, A replaced by G.
Protein change: p.Ile1818Val; replaces isoleucine 1818 with valine.
Molecular consequence: missense variant.
Genome position (GRCh38, 1-based): chr4:84,755,373, T>C on the plus strand (A>G on the coding strand, the complement: WDFY3 is on the minus strand). VCF-style: chr4-84755373-T-C. GRCh37 (hg19) VCF-style: chr4-85676526-T-C.
Other names: short protein forms I1818V.
Identifiers: ClinVar variation 3369888 (VCV003369888.1).

ClinVar aggregate classification (germline): Uncertain significance (1 of 4 stars; one submission).

Submission:

GeneDx
Classification: Uncertain significance. Last evaluated: 2024-02-26. Review status: criteria provided, single submitter. Criteria: GeneDx Variant Classification Process June 2021. Collection method: clinical testing. Allele origin: germline. Affected: yes.
Comment: Not observed at significant frequency in large population cohorts (gnomAD); In silico analysis supports that this missense variant does not alter protein structure/function; Has not been previously published as pathogenic or benign to our knowledge